The following is an entry in ClinVar:

NM_006045.3(ATP9A):c.1290C>A (p.Thr430=)

Gene: ATP9A (ATPase phospholipid transporting 9A; minus strand). Cytogenetic location: 20q13.2.
Variant type: single nucleotide variant.
Coding change: c.1290C>A on transcript NM_006045.3 (MANE Select); coding-DNA position 1290, C replaced by A.
Protein change: p.Thr430=; no amino-acid change (threonine 430 retained).
Molecular consequence: synonymous variant.
Genome position (GRCh38, 1-based): chr20:51,670,000, G>T on the plus strand (C>A on the coding strand, the complement: ATP9A is on the minus strand). VCF-style: chr20-51670000-G-T. GRCh37 (hg19) VCF-style: chr20-50286539-G-T.
Identifiers: ClinVar variation 4821019 (VCV004821019.4).

ClinVar aggregate classification (germline): Likely benign (1 of 4 stars; one submission).

gnomAD v4.1: 438 of 1,611,846 alleles (0.027%); highest among the groups gnomAD compares: South Asian, 0.45%; 5 homozygotes.

Submission:

CeGaT Center for Human Genetics Tuebingen
Classification: Likely benign. Last evaluated: 2026-01-01. Review status: criteria provided, single submitter. Criteria: CeGaT Center For Human Genetics Tuebingen Variant Classification Criteria Version 2. Collection method: clinical testing. Allele origin: germline. Affected: yes. Observed: 1 variant allele.
Comment: ATP9A: BP4, BP7